The following is an entry in ClinVar:

ClinVar aggregate classification (germline): Benign/Likely benign. Review status: criteria provided, multiple submitters, no conflicts (2 of 4 stars). 14 submissions from 14 submitters: Benign (7); Likely benign (4). 3 of the submissions do not count toward it. Last evaluated 2026-02-03.

Conditions:
Breast and/or ovarian cancer. Identifiers: MedGen CN221562.
Hereditary cancer-predisposing syndrome. Also called: Tumor predisposition; Neoplastic Syndromes, Hereditary; Hereditary neoplastic syndrome; Hereditary Cancer Syndrome. Identifiers: Orphanet 140162, MedGen C0027672, MeSH D009386, MONDO:0015356.
Hereditary breast ovarian cancer syndrome. Also called: Hereditary breast and ovarian cancer syndrome; Hereditary breast and ovarian cancer syndrome (HBOC); Hereditary breast and ovarian cancer; Breast and ovarian cancer; BRCA1- and BRCA2-Associated Hereditary Breast and Ovarian Cancer; Hereditary breast and/or ovarian cancer syndrome. Identifiers: Orphanet 145, MedGen C0677776, MeSH D061325, MONDO:0003582. Disease mechanism: loss of function.
Ataxia-telangiectasia syndrome (AT). Also called: LOUIS-BAR SYNDROME; Ataxia-telangiectasia, complementation group D; AT, COMPLEMENTATION GROUP C; ATAXIA-TELANGIECTASIA, COMPLEMENTATION GROUP A; ATAXIA-TELANGIECTASIA, FRESNO VARIANT; Ataxia-telangiectasia. Identifiers: Orphanet 100, MedGen C0004135, MONDO:0008840, OMIM 208900.

Allele frequency attached by ClinVar (database versions not stated): 1000 Genomes Project 30x 0.00344; gnomAD exomes 0.00034 and 0.00070; ExAC 0.00082; gnomAD 0.00237 and 0.00245; ESP Exome Variant Server 0.00256; TOPMed 0.00277; 1000 Genomes Project 0.00339.

Submissions (14):

Labcorp Genetics (formerly Invitae), Labcorp
Classification: Benign for Ataxia-telangiectasia syndrome. Last evaluated: 2026-02-03. Review status: criteria provided, single submitter. Criteria: Invitae Variant Classification Sherloc (09022015). Collection method: clinical testing. Allele origin: germline.

ARUP Laboratories, Molecular Genetics and Genomics, ARUP Laboratories
Classification: Likely benign. Last evaluated: 2025-05-06. Review status: criteria provided, single submitter. Criteria: ARUP Molecular Germline Variant Investigation Process 2024. Collection method: clinical testing. Allele origin: germline.

Center for Genomic Medicine, Rigshospitalet, Copenhagen University Hospital
Classification: Benign. Last evaluated: 2025-03-04. Review status: criteria provided, single submitter. Criteria: ACMG Guidelines, 2015. Collection method: clinical testing. Allele origin: germline.

Blueprint Genetics
Classification: Likely benign. Last evaluated: 2024-11-14. Review status: criteria provided, single submitter. Criteria: ACMG Guidelines, 2015. Collection method: clinical testing. Allele origin: germline.

CHEO Genetics Diagnostic Laboratory, Children's Hospital of Eastern Ontario
Classification: Likely benign for Breast and/or ovarian cancer. Last evaluated: 2023-02-07. Review status: criteria provided, single submitter. Criteria: ACMG Guidelines, 2015. Collection method: clinical testing. Allele origin: germline.

National Health Laboratory Service, Universitas Academic Hospital and University of the Free State
Classification: Benign for Hereditary breast ovarian cancer syndrome. Last evaluated: 2022-04-19. Review status: criteria provided, single submitter. Criteria: ACMG Guidelines, 2015. Collection method: clinical testing. Allele origin: germline. Affected: yes. Observed: 5 variant alleles.

Mendelics
Classification: Benign for Ataxia-telangiectasia syndrome. Last evaluated: 2019-05-28. Review status: criteria provided, single submitter. Criteria: Mendelics Assertion Criteria 2017. Collection method: clinical testing. Allele origin: unknown.

PreventionGenetics, part of Exact Sciences
Classification: Benign. Last evaluated: 2016-12-01. Review status: criteria provided, single submitter. Criteria: ACMG Guidelines, 2015. Collection method: clinical testing. Allele origin: germline.

Ambry Genetics
Classification: Likely benign for Hereditary cancer-predisposing syndrome. Last evaluated: 2015-10-16. Review status: criteria provided, single submitter. Criteria: Ambry Variant Classification Scheme 2023. Collection method: clinical testing. Allele origin: germline.

Color Diagnostics, LLC DBA Color Health
Classification: Benign for Hereditary cancer-predisposing syndrome. Last evaluated: 2015-04-23. Review status: criteria provided, single submitter. Criteria: ACMG Guidelines, 2015. Collection method: clinical testing. Allele origin: germline.

GeneDx
Classification: Benign for Neoplastic Syndromes, Hereditary. Last evaluated: 2014-01-07. Review status: criteria provided, single submitter. Criteria: GeneDx Variant Classification (06012015). Collection method: clinical testing. Allele origin: germline. Affected: yes.
Comment: The variant is found in BR-OV-HEREDIC panel(s).

Clinical Genetics Laboratory, Department of Pathology, Netherlands Cancer Institute
Classification: Likely benign. Review status: no assertion criteria provided. Collection method: clinical testing. Allele origin: germline. Affected: yes. Study: VKGL Data-share Consensus. Not counted in ClinVar's aggregate classification.

Genome Diagnostics Laboratory, Amsterdam University Medical Center
Classification: Benign. Review status: no assertion criteria provided. Collection method: clinical testing. Allele origin: germline. Affected: yes. Study: VKGL Data-share Consensus. Not counted in ClinVar's aggregate classification.

Laboratory of Diagnostic Genome Analysis, Leiden University Medical Center (LUMC)
Classification: Likely benign. Review status: no assertion criteria provided. Collection method: clinical testing. Allele origin: germline. Affected: yes. Study: VKGL Data-share Consensus. Not counted in ClinVar's aggregate classification.

NM_000051.4(ATM):c.2921+19dup

Gene: ATM (ATM serine/threonine kinase; plus strand). Cytogenetic location: 11q22.3.
Variant type: Duplication.
Coding change: c.2921+19dup on transcript NM_000051.4 (MANE Select); 19 bases into the intron after coding-DNA position 2921, one base duplicated (A; older notation c.2921+19dupA).
Molecular consequence: intron variant.
Genome position (GRCh38, 1-based): chr11:108,271,165, A duplicated. VCF-style (leftmost placement, unchanged base first): chr11-108271164-T-TA. GRCh37 (hg19) VCF-style: chr11-108141891-T-TA.
Other names: c.2921+19dupA (NM_000051.4, NM_000051.3); c.2921+19dup (NM_001351834.2, NM_000051.3); c.2921+19_2921+20insA (NM_000051.3).
Identifiers: ClinVar variation 181855 (VCV000181855.25), dbSNP rs56112367, ClinGen allele CA297997.
Genomic context (GRCh38, chr11:108,271,164, plus strand): 5'-CCTTGCCAATGGAAGATGTTCTTGAACTTCTGAAACCACTATCGTAAGAAATTAAAACCT[T>TA]ATGTTATGTTCACTTTAAAGTTATAAAATAACTGATGTGTTCTGTTAAGCTTATAAAGTT-3'